The following is an entry in ClinVar:

NM_130837.3(OPA1):c.1466dup (p.Cys490fs)

Gene: OPA1 (OPA1 mitochondrial dynamin like GTPase; plus strand). Cytogenetic location: 3q29.
Variant type: Duplication.
Coding change: c.1466dup on transcript NM_130837.3 (MANE Select); coding-DNA position 1466, one base duplicated (T; older notation c.1466dupT).
Protein change: p.Cys490fs; shifts the reading frame from cysteine 490.
Molecular consequence: frameshift variant.
Genome position (GRCh38, 1-based): chr3:193,643,616, T duplicated. VCF-style (leftmost placement, unchanged base first): chr3-193643615-C-CT. GRCh37 (hg19) VCF-style: chr3-193361404-C-CT.
Other names: c.932dup, p.Cys312fs (NM_001354663.2); c.929dup, p.Cys311fs (NM_001354664.2); c.1301dup, p.Cys435fs (NM_015560.3); c.1193dup, p.Cys399fs (NM_130831.3); c.1247dup, p.Cys417fs (NM_130832.3); c.1304dup, p.Cys436fs (NM_130833.3); c.1355dup, p.Cys453fs (NM_130834.3); c.1358dup, p.Cys454fs (NM_130835.3); and 1 more; short protein forms C472fs, C399fs, C435fs, C453fs, C311fs, C312fs, C436fs, C490fs.
Identifiers: ClinVar variation 4720594 (VCV004720594.1).

ClinVar aggregate classification (germline): Pathogenic (1 of 4 stars; one submission).

Submission:

Labcorp Genetics (formerly Invitae), Labcorp
Classification: Pathogenic. Last evaluated: 2025-06-07. Review status: criteria provided, single submitter. Criteria: Invitae Variant Classification Sherloc (09022015). Collection method: clinical testing. Allele origin: germline.
Comment: This sequence change creates a premature translational stop signal (p.Cys435Valfs*10) in the OPA1 gene. It is expected to result in an absent or disrupted protein product. Loss-of-function variants in OPA1 are known to be pathogenic (PMID: 11440988, 20157015, 20952381, 25012220). This variant is not present in population databases (gnomAD no frequency). This variant has not been reported in the literature in individuals affected with OPA1-related conditions. For these reasons, this variant has been classified as Pathogenic.

Literature cited by the submitters: PubMed 11440988; PubMed 20157015; PubMed 20952381; PubMed 25012220.